The following is an entry in ClinVar:

NM_020754.4(ARHGAP31):c.833C>T (p.Pro278Leu)

Gene: ARHGAP31 (Rho GTPase activating protein 31; plus strand). Cytogenetic location: 3q13.33.
Variant type: single nucleotide variant.
Coding change: c.833C>T on transcript NM_020754.4 (MANE Select); coding-DNA position 833, C replaced by T.
Protein change: p.Pro278Leu; replaces proline 278 with leucine.
Molecular consequence: missense variant.
Genome position (GRCh38, 1-based): chr3:119,390,935, C>T. VCF-style: chr3-119390935-C-T. GRCh37 (hg19) VCF-style: chr3-119109782-C-T.
Other names: short protein forms P278L.
Identifiers: ClinVar variation 1466877 (VCV001466877.8), dbSNP rs1351575476, ClinGen allele CA354032232.

ClinVar aggregate classification (germline): Uncertain significance (1 of 4 stars; one submission).

Allele frequency attached by ClinVar (database versions not stated): TOPMed below 0.00001; gnomAD 0.00001.
gnomAD v4.1: 1 of 1,614,090 alleles (0.000062%); highest among the groups gnomAD compares: African/African-American, 0.0013%; no homozygotes.

Submission:

Labcorp Genetics (formerly Invitae), Labcorp
Classification: Uncertain significance. Last evaluated: 2022-07-06. Review status: criteria provided, single submitter. Criteria: Invitae Variant Classification Sherloc (09022015). Collection method: clinical testing. Allele origin: germline.
Comment: This sequence change replaces proline, which is neutral and non-polar, with leucine, which is neutral and non-polar, at codon 278 of the ARHGAP31 protein (p.Pro278Leu). This variant is not present in population databases (gnomAD no frequency). This variant has not been reported in the literature in individuals affected with ARHGAP31-related conditions. ClinVar contains an entry for this variant (Variation ID: 1466877). Algorithms developed to predict the effect of missense changes on protein structure and function are either unavailable or do not agree on the potential impact of this missense change (SIFT: "Deleterious"; PolyPhen-2: "Benign"; Align-GVGD: "Class C0"). In summary, the available evidence is currently insufficient to determine the role of this variant in disease. Therefore, it has been classified as a Variant of Uncertain Significance.